The following is an entry in ClinVar:

ClinVar aggregate classification (germline): Uncertain significance (1 of 4 stars; one submission).

Conditions:
Aortic aneurysm, familial thoracic 4 (AAT4). Also called: AORTIC ANEURYSM/AORTIC DISSECTION AND PATENT DUCTUS ARTERIOSUS. Identifiers: MedGen C1851504, MONDO:0007568, OMIM 132900.

Submission:

Labcorp Genetics (formerly Invitae), Labcorp
Classification: Uncertain significance for Aortic aneurysm, familial thoracic 4. Last evaluated: 2023-02-20. Review status: criteria provided, single submitter. Criteria: Invitae Variant Classification Sherloc (09022015). Collection method: clinical testing. Allele origin: germline.
Comment: This variant has not been reported in the literature in individuals affected with MYH11-related conditions. Advanced modeling of protein sequence and biophysical properties (such as structural, functional, and spatial information, amino acid conservation, physicochemical variation, residue mobility, and thermodynamic stability) has been performed at Invitae for this missense variant, however the output from this modeling did not meet the statistical confidence thresholds required to predict the impact of this variant on MYH11 protein function. In summary, the available evidence is currently insufficient to determine the role of this variant in disease. Therefore, it has been classified as a Variant of Uncertain Significance. This variant is not present in population databases (gnomAD no frequency). This sequence change replaces leucine, which is neutral and non-polar, with proline, which is neutral and non-polar, at codon 232 of the MYH11 protein (p.Leu232Pro).

NM_002474.3(MYH11):c.674T>C (p.Leu225Pro)

Gene: MYH11 (myosin heavy chain 11; minus strand). Cytogenetic location: 16p13.11.
Variant type: single nucleotide variant.
Coding change: c.674T>C on transcript NM_002474.3 (MANE Select); coding-DNA position 674, T replaced by C.
Protein change: p.Leu225Pro; replaces leucine 225 with proline.
Molecular consequence: missense variant.
Genome position (GRCh38, 1-based): chr16:15,782,437, A>G on the plus strand (T>C on the coding strand, the complement: MYH11 is on the minus strand). VCF-style: chr16-15782437-A-G. GRCh37 (hg19) VCF-style: chr16-15876294-A-G.
Other names: c.695T>C, p.Leu232Pro (NM_001040113.2, NM_001040114.2); c.674T>C, p.Leu225Pro (NM_022844.3); short protein forms L225P, L232P.
Identifiers: ClinVar variation 3008988 (VCV003008988.3), dbSNP rs2506612772, ClinGen allele CA394871192.